The following is an entry in ClinVar:

NM_153682.3(PIGP):c.4G>T (p.Val2Leu)

Gene: PIGP (phosphatidylinositol glycan anchor biosynthesis class P; minus strand). Cytogenetic location: 21q22.13.
Variant type: single nucleotide variant.
Coding change: c.4G>T on transcript NM_153682.3 (MANE Select); coding-DNA position 4, G replaced by T.
Protein change: p.Val2Leu; replaces valine 2 with leucine.
Molecular consequence: missense variant. On other transcripts: 5 prime UTR variant (1).
Genome position (GRCh38, 1-based): chr21:37,072,512, C>A on the plus strand (G>T on the coding strand, the complement: PIGP is on the minus strand). VCF-style: chr21-37072512-C-A. GRCh37 (hg19) VCF-style: chr21-38444812-C-A.
Other names: c.4G>T, p.Val2Leu (NM_001320480.2); c.-241G>T (NM_016430.4); c.76G>T, p.Val26Leu (NM_153681.2); short protein forms V26L, V2L.
Identifiers: ClinVar variation 1411783 (VCV001411783.6), dbSNP rs762636952, ClinGen allele CA10021180.

ClinVar aggregate classification (germline): Uncertain significance. Review status: criteria provided, multiple submitters, no conflicts (2 of 4 stars). 2 submissions from 2 submitters: Uncertain significance (2). Last evaluated 2022-07-12.

Conditions:
Inborn genetic diseases. Identifiers: MedGen C0950123, MeSH D030342.

Allele frequency attached by ClinVar (database versions not stated): ExAC 0.00002; gnomAD exomes 0.00002 and 0.00008; gnomAD 0.00006 and 0.00007.
gnomAD v4.1: 119 of 1,614,112 alleles (0.0074%); highest among the groups gnomAD compares: Non-Finnish European, 0.0095%; no homozygotes.

Submissions (2):

Labcorp Genetics (formerly Invitae), Labcorp
Classification: Uncertain significance. Last evaluated: 2022-07-12. Review status: criteria provided, single submitter. Criteria: Invitae Variant Classification Sherloc (09022015). Collection method: clinical testing. Allele origin: germline.
Comment: This sequence change replaces valine, which is neutral and non-polar, with leucine, which is neutral and non-polar, at codon 26 of the PIGP protein (p.Val26Leu). This variant is present in population databases (rs762636952, gnomAD 0.008%). This variant has not been reported in the literature in individuals affected with PIGP-related conditions. ClinVar contains an entry for this variant (Variation ID: 1411783). Algorithms developed to predict the effect of missense changes on protein structure and function (SIFT, PolyPhen-2, Align-GVGD) all suggest that this variant is likely to be tolerated. In summary, the available evidence is currently insufficient to determine the role of this variant in disease. Therefore, it has been classified as a Variant of Uncertain Significance.

Ambry Genetics
Classification: Uncertain significance for Inborn genetic diseases. Last evaluated: 2021-08-17. Review status: criteria provided, single submitter. Criteria: Ambry Variant Classification Scheme 2023. Collection method: clinical testing. Allele origin: germline.